The following is an entry in ClinVar:

NM_001111125.3(IQSEC2):c.225C>A (p.Asp75Glu)

Gene: IQSEC2 (IQ motif and Sec7 domain ArfGEF 2; minus strand). Cytogenetic location: Xp11.22.
Variant type: single nucleotide variant.
Coding change: c.225C>A on transcript NM_001111125.3 (MANE Select); coding-DNA position 225, C replaced by A.
Protein change: p.Asp75Glu; replaces aspartic acid 75 with glutamic acid.
Molecular consequence: missense variant.
Genome position (GRCh38, 1-based): chrX:53,320,899, G>T on the plus strand (C>A on the coding strand, the complement: IQSEC2 is on the minus strand). VCF-style: chrX-53320899-G-T. GRCh37 (hg19) VCF-style: chrX-53350097-G-T.
Other names: short protein forms D75E.
Identifiers: ClinVar variation 1402681 (VCV001402681.8), dbSNP rs2075425330, ClinGen allele CA413239828.

ClinVar aggregate classification (germline): Uncertain significance (1 of 4 stars; one submission).

Conditions:
Intellectual developmental disorder, X-linked 1. Also called: Atkin Flaitz Patil Smith syndrome; Intellectual disability, X-linked 1; MENTAL RETARDATION, X-LINKED 18; MENTAL RETARDATION, X-LINKED 78. Identifiers: Orphanet 777, MedGen C2931498, MONDO:0010656, OMIM 309530.

Submission:

Labcorp Genetics (formerly Invitae), Labcorp
Classification: Uncertain significance for Intellectual developmental disorder, X-linked 1. Last evaluated: 2021-08-05. Review status: criteria provided, single submitter. Criteria: Invitae Variant Classification Sherloc (09022015). Collection method: clinical testing. Allele origin: germline.
Comment: In summary, the available evidence is currently insufficient to determine the role of this variant in disease. Therefore, it has been classified as a Variant of Uncertain Significance. Advanced modeling of protein sequence and biophysical properties (such as structural, functional, and spatial information, amino acid conservation, physicochemical variation, residue mobility, and thermodynamic stability) performed at Invitae indicates that this missense variant is not expected to disrupt IQSEC2 protein function. This variant has not been reported in the literature in individuals with IQSEC2-related conditions. The frequency data for this variant in the population databases is considered unreliable, as metrics indicate insufficient coverage at this position in the ExAC database. This sequence change replaces aspartic acid with glutamic acid at codon 75 of the IQSEC2 protein (p.Asp75Glu). The aspartic acid residue is weakly conserved and there is a small physicochemical difference between aspartic acid and glutamic acid.